The following is an entry in ClinVar:

ClinVar aggregate classification (germline): Benign/Likely benign. Review status: criteria provided, multiple submitters, no conflicts (2 of 4 stars). 3 submissions from 3 submitters: Benign (2); Likely benign (1). Last evaluated 2023-01-01.

Allele frequency attached by ClinVar (database versions not stated): 1000 Genomes Project 30x 0.00297; 1000 Genomes Project 0.00319; TOPMed 0.00430; ESP Exome Variant Server 0.00485; gnomAD 0.00495; gnomAD exomes 0.00549; ExAC 0.00578.
gnomAD v4.1: 10,856 of 1,611,634 alleles (0.67%); highest among the groups gnomAD compares: Non-Finnish European, 0.75%; 52 homozygotes.

Submissions (5):

CeGaT Center for Human Genetics Tuebingen
Classification: Likely benign. Last evaluated: 2023-01-01. Review status: criteria provided, single submitter. Criteria: CeGaT Center For Human Genetics Tuebingen Variant Classification Criteria Version 2. Collection method: clinical testing. Allele origin: germline. Affected: yes. Observed: 1 variant allele.
Comment: FSD1: BP4, BP7, BS2

Labcorp Genetics (formerly Invitae), Labcorp
Classification: Benign. Last evaluated: 2017-06-20. Review status: criteria provided, single submitter. Criteria: Invitae Variant Classification Sherloc (09022015). Collection method: clinical testing. Allele origin: germline.

Breakthrough Genomics
Classification: Benign. Review status: criteria provided, single submitter. Criteria: ACMG Guidelines, 2015. Collection method: not provided. Allele origin: germline. Inheritance: Unknown mechanism. Affected: yes.

Dr. Peter K. Rogan Lab, Western University
No classification provided (evidence only). Condition: Clear cell carcinoma of kidney. Review status: no classification provided. Collection method: in vitro. Allele origin: not applicable. Functional consequence: retained intron. Not counted in ClinVar's aggregate classification.

Dr. Peter K. Rogan Lab, Western University
No classification provided (evidence only). Condition: Colon adenocarcinoma. Review status: no classification provided. Collection method: in vitro. Allele origin: not applicable. Functional consequence: retained intron. Not counted in ClinVar's aggregate classification.

NM_024333.3(FSD1):c.1110C>T (p.Gly370=)

Gene: FSD1 (fibronectin type III and SPRY domain containing 1; plus strand). Cytogenetic location: 19p13.3.
Variant type: single nucleotide variant.
Coding change: c.1110C>T on transcript NM_024333.3 (MANE Select); coding-DNA position 1110, C replaced by T.
Protein change: p.Gly370=; no amino-acid change (glycine 370 retained).
Molecular consequence: synonymous variant.
Genome position (GRCh38, 1-based): chr19:4,323,056, C>T. VCF-style: chr19-4323056-C-T. GRCh37 (hg19) VCF-style: chr19-4323053-C-T.
Other names: NC_000019.9:g.4323053C>T; c.1110C>T, p.Gly370= (NM_001330429.2).
Identifiers: ClinVar variation 773347 (VCV000773347.29), dbSNP rs151077874, ClinGen allele CA9095096.